The following is an entry in ClinVar:

ClinVar aggregate classification (germline): Likely benign (1 of 4 stars; one submission).

Allele frequency attached by ClinVar (database versions not stated): 1000 Genomes Project 0.00060; 1000 Genomes Project 30x 0.00062; ESP Exome Variant Server 0.00161; TOPMed 0.00170; gnomAD 0.00171.
gnomAD v4.1: 3,683 of 1,608,618 alleles (0.23%); highest among the groups gnomAD compares: Non-Finnish European, 0.28%; 7 homozygotes.

Submission:

CeGaT Center for Human Genetics Tuebingen
Classification: Likely benign. Last evaluated: 2024-12-01. Review status: criteria provided, single submitter. Criteria: CeGaT Center For Human Genetics Tuebingen Variant Classification Criteria Version 2. Collection method: clinical testing. Allele origin: germline. Affected: yes. Observed: 2 variant alleles.
Comment: MCM10: BP4, BP7

NM_018518.5(MCM10):c.1113C>T (p.Ile371=)

Gene: MCM10 (minichromosome maintenance 10 replication initiation factor; plus strand). Cytogenetic location: 10p13.
Variant type: single nucleotide variant.
Coding change: c.1113C>T on transcript NM_018518.5 (MANE Select); coding-DNA position 1113, C replaced by T.
Protein change: p.Ile371=; no amino-acid change (isoleucine 371 retained).
Molecular consequence: synonymous variant.
Genome position (GRCh38, 1-based): chr10:13,186,178, C>T. VCF-style: chr10-13186178-C-T. GRCh37 (hg19) VCF-style: chr10-13228178-C-T.
Other names: c.1116C>T, p.Ile372= (NM_182751.3).
Identifiers: ClinVar variation 2640312 (VCV002640312.24), dbSNP rs61755071, ClinGen allele CA5411423.